The following is an entry in ClinVar:

ClinVar aggregate classification (germline): Benign (1 of 4 stars; one submission).

Allele frequency attached by ClinVar (database versions not stated): 1000 Genomes Project 30x 0.00843; 1000 Genomes Project 0.00859.
gnomAD v4.1: 4,324 of 151,954 alleles (2.8%); highest among the groups gnomAD compares: Non-Finnish European, 3.8%; 112 homozygotes.

Submission:

GeneDx
Classification: Benign. Last evaluated: 2018-06-16. Review status: criteria provided, single submitter. Criteria: GeneDx Variant Classification (06012015). Collection method: clinical testing. Allele origin: germline. Affected: yes.
Comment: This variant is considered likely benign or benign based on one or more of the following criteria: it is a conservative change, it occurs at a poorly conserved position in the protein, it is predicted to be benign by multiple in silico algorithms, and/or has population frequency not consistent with disease.

NM_001006630.2(CHRM2):c.-46-187G>C

Genes: CHRM2 (cholinergic receptor muscarinic 2; plus strand), LOC349160 (uncharacterized LOC349160; minus strand). Cytogenetic location: 7q33.
Variant type: single nucleotide variant.
Coding change: c.-46-187G>C on transcript NM_001006630.2 (MANE Select); 187 bases into the intron before 46 bases upstream of the start codon, G replaced by C.
Molecular consequence: intron variant.
Genome position (GRCh38, 1-based): chr7:137,014,633, G>C. VCF-style: chr7-137014633-G-C. GRCh37 (hg19) VCF-style: chr7-136699380-G-C.
Other names: c.-46-187G>C (NM_001378972.1, NM_001006627.3, NM_001006626.3 and 6 more transcripts).
Identifiers: ClinVar variation 678681 (VCV000678681.1), dbSNP rs17168888, ClinGen allele CA167698509.